The following is an entry in ClinVar:

ClinVar aggregate classification (germline): Uncertain significance (1 of 4 stars; one submission).

gnomAD v4.1: 2 of 1,612,778 alleles (0.00012%); highest among the groups gnomAD compares: Admixed American, 0.0017%; no homozygotes.

Submission:

Labcorp Genetics (formerly Invitae), Labcorp
Classification: Uncertain significance. Last evaluated: 2025-02-26. Review status: criteria provided, single submitter. Criteria: Invitae Variant Classification Sherloc (09022015). Collection method: clinical testing. Allele origin: germline.
Comment: This sequence change replaces tyrosine, which is neutral and polar, with cysteine, which is neutral and slightly polar, at codon 312 of the ENPP1 protein (p.Tyr312Cys). This variant is present in population databases (rs371411658, gnomAD 0.003%). This variant has not been reported in the literature in individuals affected with ENPP1-related conditions. Invitae Evidence Modeling of protein sequence and biophysical properties (such as structural, functional, and spatial information, amino acid conservation, physicochemical variation, residue mobility, and thermodynamic stability) indicates that this missense variant is expected to disrupt ENPP1 protein function with a positive predictive value of 80%. In summary, the available evidence is currently insufficient to determine the role of this variant in disease. Therefore, it has been classified as a Variant of Uncertain Significance.

NM_006208.3(ENPP1):c.935A>G (p.Tyr312Cys)

Gene: ENPP1 (ectonucleotide pyrophosphatase/phosphodiesterase 1; plus strand). Cytogenetic location: 6q23.2.
Variant type: single nucleotide variant.
Coding change: c.935A>G on transcript NM_006208.3 (MANE Select); coding-DNA position 935, A replaced by G.
Protein change: p.Tyr312Cys; replaces tyrosine 312 with cysteine.
Molecular consequence: missense variant.
Genome position (GRCh38, 1-based): chr6:131,861,614, A>G. VCF-style: chr6-131861614-A-G. GRCh37 (hg19) VCF-style: chr6-132182754-A-G.
Other names: short protein forms Y312C.
Identifiers: ClinVar variation 4740359 (VCV004740359.1).